The following is an entry in ClinVar:

ClinVar aggregate classification (germline): Uncertain significance (1 of 4 stars; one submission).

Conditions:
Immunodeficiency due to MASP-2 deficiency. Also called: LECTIN COMPLEMENT ACTIVATION PATHWAY, DEFECT IN, 2; MASP2 deficiency. Identifiers: Orphanet 331187, MedGen C3151085, MONDO:0013423, OMIM 613791.

gnomAD v4.1: 9 of 1,566,318 alleles (0.00057%); highest among the groups gnomAD compares: African/African-American, 0.0027%; no homozygotes.

Submission:

Neuberg Centre For Genomic Medicine, NCGM
Classification: Uncertain significance for Immunodeficiency due to MASP-2 deficiency. Review status: criteria provided, single submitter. Criteria: ACMG Guidelines, 2015. Collection method: clinical testing. Allele origin: germline. Inheritance: Autosomal recessive inheritance. Affected: yes.
Comment: The observed missense variant c.167G>A(p.Arg56His) in the MASP2 gene has not been reported previously as a pathogenic variant nor as a benign variant, to our knowledge. This variant is reported with the allele frequency 0.001% in the gnomAD Exomes. The amino acid Arginine at position 56 is changed to a Histidine changing protein sequence and it might alter its composition and physico-chemical properties. Multiple lines of computational evidence (Polyphen - Damaging, SIFT - Damaging and MutationTaster - Disease causing) predict a damaging effect on protein structure and function for this variant. The residue is conserved by GERP++ and PhyloP across 100 vertebrates. For these reasons, this variant has been classified as Uncertain Significance.

NM_006610.4(MASP2):c.167G>A (p.Arg56His)

Gene: MASP2 (MBL associated serine protease 2; minus strand). Cytogenetic location: 1p36.22.
Variant type: single nucleotide variant.
Coding change: c.167G>A on transcript NM_006610.4 (MANE Select); coding-DNA position 167, G replaced by A.
Protein change: p.Arg56His; replaces arginine 56 with histidine.
Molecular consequence: missense variant.
Genome position (GRCh38, 1-based): chr1:11,046,958, C>T on the plus strand (G>A on the coding strand, the complement: MASP2 is on the minus strand). VCF-style: chr1-11046958-C-T. GRCh37 (hg19) VCF-style: chr1-11107015-C-T.
Other names: c.167G>A, p.Arg56His (NM_139208.3); short protein forms R56H.
Identifiers: ClinVar variation 3764494 (VCV003764494.1).